The following is an entry in ClinVar:

NM_020717.5(SHROOM4):c.769C>T (p.Arg257Cys)

Gene: SHROOM4 (shroom family member 4; minus strand). Cytogenetic location: Xp11.22.
Variant type: single nucleotide variant.
Coding change: c.769C>T on transcript NM_020717.5 (MANE Select); coding-DNA position 769, C replaced by T.
Protein change: p.Arg257Cys; replaces arginine 257 with cysteine.
Molecular consequence: missense variant. On other transcripts: non-coding transcript variant (4).
Genome position (GRCh38, 1-based): chrX:50,635,304, G>A on the plus strand (C>T on the coding strand, the complement: SHROOM4 is on the minus strand). VCF-style: chrX-50635304-G-A. GRCh37 (hg19) VCF-style: chrX-50378304-G-A.
Other names: short protein forms R257C.
Identifiers: ClinVar variation 423217 (VCV000423217.26), dbSNP rs1064796301, ClinGen allele CA16621431.

ClinVar aggregate classification (germline): Conflicting classifications of pathogenicity. Review status: criteria provided, conflicting classifications (1 of 4 stars). 2 submissions from 2 submitters: Uncertain significance (1); Likely benign (1). Last evaluated 2022-12-01.

Allele frequency attached by ClinVar (database versions not stated): gnomAD 0.00001; gnomAD exomes 0.00001; TOPMed 0.00002.

Submissions (2):

CeGaT Center for Human Genetics Tuebingen
Classification: Likely benign. Last evaluated: 2022-12-01. Review status: criteria provided, single submitter. Criteria: CeGaT Center For Human Genetics Tuebingen Variant Classification Criteria Version 2. Collection method: clinical testing. Allele origin: germline. Affected: yes. Observed: 1 variant allele.
Comment: SHROOM4: BP4

GeneDx
Classification: Uncertain significance. Last evaluated: 2017-02-10. Review status: criteria provided, single submitter. Criteria: GeneDx Variant Classification (06012015). Collection method: clinical testing. Allele origin: germline. Affected: yes.
Comment: The R257C variant in the SHROOM4 gene has not been reported previously as a pathogenic variant, nor as a benign variant, to our knowledge. This variant is not observed in large population cohorts (Lek et al., 2016; 1000 Genomes Consortium et al., 2015; Exome Variant Server). The R257C variant is a non-conservative amino acid substitution, which is likely to impact secondary protein structure as these residues differ in polarity, charge, size and/or other properties. However, this substitution occurs at a position that is not conserved, and in silico analysis predicts this variant likely does not alter the protein structure/function. We interpret R257C as a variant of uncertain significance.